The following is an entry in ClinVar:

NM_004859.4(CLTC):c.1207A>C (p.Ser403Arg)

Gene: CLTC (clathrin heavy chain; plus strand). Cytogenetic location: 17q23.1.
Variant type: single nucleotide variant.
Coding change: c.1207A>C on transcript NM_004859.4 (MANE Select); coding-DNA position 1207, A replaced by C.
Protein change: p.Ser403Arg; replaces serine 403 with arginine.
Molecular consequence: missense variant.
Genome position (GRCh38, 1-based): chr17:59,661,482, A>C. VCF-style: chr17-59661482-A-C. GRCh37 (hg19) VCF-style: chr17-57738843-A-C.
Other names: c.1219A>C, p.Ser407Arg (NM_001288653.2); short protein forms S403R, S407R.
Identifiers: ClinVar variation 5040665 (VCV005040665.1).

ClinVar aggregate classification (germline): Uncertain significance (1 of 4 stars; one submission).

Submission:

CeGaT Center for Human Genetics Tuebingen
Classification: Uncertain significance. Last evaluated: 2026-08-01. Review status: criteria provided, single submitter. Criteria: CeGaT Center For Human Genetics Tuebingen Variant Classification Criteria Version 2. Collection method: clinical testing. Allele origin: germline. Affected: yes. Observed: 1 variant allele.
Comment: CLTC: PM2, PP2